The following is an entry in ClinVar:

NM_019597.5(HNRNPH2):c.639G>A (p.Pro213=)

Genes: HNRNPH2 (heterogeneous nuclear ribonucleoprotein H2; plus strand), RPL36A-HNRNPH2 (RPL36A-HNRNPH2 readthrough; plus strand). Cytogenetic location: Xq22.1.
Variant type: single nucleotide variant.
Coding change: c.639G>A on transcript NM_019597.5 (MANE Select); coding-DNA position 639, G replaced by A.
Protein change: p.Pro213=; no amino-acid change (proline 213 retained).
Molecular consequence: synonymous variant. On other transcripts: 3 prime UTR variant (2).
Genome position (GRCh38, 1-based): chrX:101,412,627, G>A. VCF-style: chrX-101412627-G-A. GRCh37 (hg19) VCF-style: chrX-100667615-G-A.
Other names: c.*635G>A (NM_001199973.2, NM_001199974.2); c.639G>A, p.Pro213= (NM_001032393.3).
Identifiers: ClinVar variation 3027414 (VCV003027414.22), dbSNP rs191816846, ClinGen allele CA10473475.

ClinVar aggregate classification (germline): Likely benign (1 of 4 stars; one submission).

Allele frequency attached by ClinVar (database versions not stated): gnomAD 0.00001; ExAC 0.00002; gnomAD exomes 0.00002; 1000 Genomes Project 30x 0.00021; 1000 Genomes Project 0.00026.

Submission:

CeGaT Center for Human Genetics Tuebingen
Classification: Likely benign. Last evaluated: 2024-02-01. Review status: criteria provided, single submitter. Criteria: CeGaT Center For Human Genetics Tuebingen Variant Classification Criteria Version 2. Collection method: clinical testing. Allele origin: germline. Affected: yes. Observed: 1 variant allele.
Comment: HNRNPH2: BP4, BP7